The following is an entry in ClinVar:

ClinVar aggregate classification (germline): Uncertain significance (1 of 4 stars; one submission).

Conditions:
SPECC1L-related disorder. Also called: SPECC1L-related condition.

Submission:

PreventionGenetics, part of Exact Sciences
Classification: Uncertain significance for SPECC1L-related condition. Last evaluated: 2023-02-16. Review status: criteria provided, single submitter. Criteria: ACMG Guidelines, 2015. Collection method: clinical testing. Allele origin: germline.
Comment: The SPECC1L c.152A>G variant is predicted to result in the amino acid substitution p.Lys51Arg. To our knowledge, this variant has not been reported in the literature or in a large population database, indicating this variant is rare. At this time, the clinical significance of this variant is uncertain due to the absence of conclusive functional and genetic evidence.

NM_015330.6(SPECC1L):c.152A>G (p.Lys51Arg)

Genes: SPECC1L (sperm antigen with calponin homology and coiled-coil domains 1 like; plus strand), SPECC1L-ADORA2A (SPECC1L-ADORA2A readthrough (NMD candidate); plus strand). Cytogenetic location: 22q11.23.
Variant type: single nucleotide variant.
Coding change: c.152A>G on transcript NM_015330.6 (MANE Select); coding-DNA position 152, A replaced by G.
Protein change: p.Lys51Arg; replaces lysine 51 with arginine.
Molecular consequence: missense variant. On other transcripts: non-coding transcript variant (1).
Genome position (GRCh38, 1-based): chr22:24,302,383, A>G. VCF-style: chr22-24302383-A-G. GRCh37 (hg19) VCF-style: chr22-24698351-A-G.
Other names: c.152A>G, p.Lys51Arg (NM_001145468.4, NM_001254732.3); short protein forms K51R.
Identifiers: ClinVar variation 2630588 (VCV002630588.1), dbSNP rs2517609406, ClinGen allele CA410957757.